The following is an entry in ClinVar:

ClinVar aggregate classification (germline): Conflicting classifications of pathogenicity. Review status: criteria provided, conflicting classifications (1 of 4 stars). 2 submissions from 2 submitters: Likely pathogenic (1); Uncertain significance (1). Last evaluated 2025-08-05.

Conditions:
Cardiovascular phenotype. Identifiers: MedGen CN230736.
Long QT syndrome (LQTS). Identifiers: MedGen C0023976, MeSH D008133, MONDO:0002442. Disease mechanism: loss of function. Inheritance: Various modes of inheritance.

gnomAD v4.1: 15 of 1,566,346 alleles (0.00096%); highest among the groups gnomAD compares: Non-Finnish European, 0.0013%; no homozygotes.

Submissions (2):

Ambry Genetics
Classification: Likely pathogenic for Cardiovascular phenotype. Last evaluated: 2025-08-05. Review status: criteria provided, single submitter. Criteria: Ambry Variant Classification Scheme 2023. Collection method: clinical testing. Allele origin: germline.
Comment: The p.R555L variant (also known as c.1664G>T), located in coding exon 13 of the KCNQ1 gene, results from a G to T substitution at nucleotide position 1664. The arginine at codon 555 is replaced by leucine, an amino acid with dissimilar properties. This variant was reported in individual(s) with features consistent with long QT syndrome (Ambry internal data; external communication). Other variant(s) at the same codon, p.R555H (c.1664G>A), have been identified in individual(s) with features consistent with long QT syndrome (Lupoglazoff JM et al. J. Am. Coll. Cardiol., 2004 Mar;43:826-30; Tester DJ et al. Heart Rhythm, 2005 May;2:507-17; Kapplinger JD et al. Heart Rhythm, 2009 Sep;6:1297-303; Giudicessi JR et al. Circ Cardiovasc Genet, 2012 Oct;5:519-28; Stattin EL et al. BMC Cardiovasc Disord, 2012 Oct;12:95; Ambry internal data).This amino acid position is highly conserved in available vertebrate species. In addition, this alteration is predicted to be deleterious by in silico analysis. Based on the majority of available evidence to date, this variant is likely to be pathogenic.

Labcorp Genetics (formerly Invitae), Labcorp
Classification: Uncertain significance for Long QT syndrome. Last evaluated: 2022-10-24. Review status: criteria provided, single submitter. Criteria: Invitae Variant Classification Sherloc (09022015). Collection method: clinical testing. Allele origin: germline.
Comment: This sequence change replaces arginine, which is basic and polar, with leucine, which is neutral and non-polar, at codon 555 of the KCNQ1 protein (p.Arg555Leu). The frequency data for this variant in the population databases is considered unreliable, as metrics indicate poor data quality at this position in the gnomAD database. This missense change has been observed in individual(s) with clinical features of long QT syndrome (Invitae). ClinVar contains an entry for this variant (Variation ID: 940744). Advanced modeling of protein sequence and biophysical properties (such as structural, functional, and spatial information, amino acid conservation, physicochemical variation, residue mobility, and thermodynamic stability) performed at Invitae indicates that this missense variant is expected to disrupt KCNQ1 protein function. Algorithms developed to predict the effect of sequence changes on RNA splicing suggest that this variant may disrupt the consensus splice site. This variant disrupts the p.Arg555 amino acid residue in KCNQ1. Other variant(s) that disrupt this residue have been determined to be pathogenic (PMID: 14998624, 19716085, 23631430). This suggests that this residue is clinically significant, and that variants that disrupt this residue are likely to be disease-causing. In summary, the available evidence is currently insufficient to determine the role of this variant in disease. Therefore, it has been classified as a Variant of Uncertain Significance.

Literature cited by the submitters: PubMed 14998624 (cited by Labcorp Genetics (formerly Invitae), Labcorp); PubMed 19716085 (cited by Labcorp Genetics (formerly Invitae), Labcorp); PubMed 23631430 (cited by Labcorp Genetics (formerly Invitae), Labcorp).

NM_000218.3(KCNQ1):c.1664G>T (p.Arg555Leu)

Gene: KCNQ1 (potassium voltage-gated channel subfamily Q member 1; plus strand). Cytogenetic location: 11p15.5.
Variant type: single nucleotide variant.
Coding change: c.1664G>T on transcript NM_000218.3 (MANE Select); coding-DNA position 1664, G replaced by T.
Protein change: p.Arg555Leu; replaces arginine 555 with leucine.
Molecular consequence: missense variant.
Genome position (GRCh38, 1-based): chr11:2,776,033, G>T. VCF-style: chr11-2776033-G-T. GRCh37 (hg19) VCF-style: chr11-2797263-G-T.
Other names: c.1568G>T, p.Arg523Leu (NM_001406836.1); c.1394G>T, p.Arg465Leu (NM_001406837.1); c.1124G>T, p.Arg375Leu (NM_001406838.1); c.1283G>T, p.Arg428Leu (NM_181798.2); short protein forms R428L, R555L, R375L, R465L, R523L.
Identifiers: ClinVar variation 940744 (VCV000940744.12), dbSNP rs199472800, ClinGen allele CA216320521.